The following is an entry in ClinVar:

NM_007118.4(TRIO):c.1521G>A (p.Ser507=)

Gene: TRIO (trio Rho guanine nucleotide exchange factor; plus strand). Cytogenetic location: 5p15.2.
Variant type: single nucleotide variant.
Coding change: c.1521G>A on transcript NM_007118.4 (MANE Select); coding-DNA position 1521, G replaced by A.
Protein change: p.Ser507=; no amino-acid change (serine 507 retained).
Molecular consequence: synonymous variant. On other transcripts: non-coding transcript variant (1).
Genome position (GRCh38, 1-based): chr5:14,316,533, G>A. VCF-style: chr5-14316533-G-A. GRCh37 (hg19) VCF-style: chr5-14316642-G-A.
Other names: c.1521G>A (NM_007118.3).
Identifiers: ClinVar variation 1261789 (VCV001261789.5), dbSNP rs55920001, ClinGen allele CA3205669.

ClinVar aggregate classification (germline): Benign. Review status: criteria provided, multiple submitters, no conflicts (2 of 4 stars). 3 submissions from 3 submitters: Benign (2). 1 of the submissions does not count toward it. Last evaluated 2018-09-10.

Conditions:
TRIO-related disorder. Also called: TRIO-related condition; TRIO-related disorders.

Allele frequency attached by ClinVar (database versions not stated): TOPMed 0.03930; gnomAD exomes 0.04025 and 0.03705; ExAC 0.04181; 1000 Genomes Project 30x 0.03529; 1000 Genomes Project 0.03634; gnomAD 0.04557 and 0.04677; ESP Exome Variant Server 0.04575.
gnomAD v4.1: 61,279 of 1,613,980 alleles (3.8%); highest among the groups gnomAD compares: African/African-American, 5.6%; 1,476 homozygotes.

Submissions (3):

GeneDx
Classification: Benign. Last evaluated: 2018-09-10. Review status: criteria provided, single submitter. Criteria: GeneDx Variant Classification Process June 2021. Collection method: clinical testing. Allele origin: germline. Affected: yes.

Breakthrough Genomics
Classification: Benign. Review status: criteria provided, single submitter. Criteria: ACMG Guidelines, 2015. Collection method: not provided. Allele origin: germline. Inheritance: Autosomal dominant inheritance. Affected: yes.

PreventionGenetics, part of Exact Sciences
Classification: Benign for TRIO-related condition. Last evaluated: 2019-03-25. Review status: no assertion criteria provided. Collection method: clinical testing. Allele origin: germline. Not counted in ClinVar's aggregate classification.
Comment: This variant is classified as benign based on ACMG/AMP sequence variant interpretation guidelines (Richards et al. 2015 PMID: 25741868, with internal and published modifications).